The following is an entry in ClinVar:

NM_000104.4(CYP1B1):c.1302G>A (p.Trp434Ter)

Genes: CYP1B1 (cytochrome P450 family 1 subfamily B member 1; minus strand), LOC128772254 (melanoma risk locus-associated MPRA allelic enhancer 2:38298139; plus strand). Cytogenetic location: 2p22.2.
Variant type: single nucleotide variant.
Coding change: c.1302G>A on transcript NM_000104.4 (MANE Select); coding-DNA position 1302, G replaced by A.
Protein change: p.Trp434Ter; replaces tryptophan 434 with a stop codon.
Molecular consequence: nonsense.
Genome position (GRCh38, 1-based): chr2:38,071,052, C>T on the plus strand (G>A on the coding strand, the complement: CYP1B1 is on the minus strand). VCF-style: chr2-38071052-C-T. GRCh37 (hg19) VCF-style: chr2-38298195-C-T.
Other names: NM_000104.4(CYP1B1):c.1302G>A; p.Trp434Ter; short protein forms W434*.
Identifiers: ClinVar variation 456638 (VCV000456638.11), dbSNP rs893198212, ClinGen allele CA346327437.

ClinVar aggregate classification (germline): Pathogenic. Review status: reviewed by expert panel (3 of 4 stars). 2 submissions from 2 submitters: Pathogenic (1). 1 of the submissions does not count toward it. Last evaluated 2026-10-27.

Conditions:
CYP1B1-related glaucoma with or without anterior segment dysgenesis. Identifiers: MedGen CN375931, MONDO:0800472.
Congenital glaucoma. Identifiers: MedGen C0020302, MONDO:0020366.

Submissions (2):

ClinGen Glaucoma Variant Curation Expert Panel
Classification: Pathogenic for CYP1B1-related glaucoma with or without anterior segment dysgenesis. Last evaluated: 2026-10-27. Review status: reviewed by expert panel. Criteria: ClinGen Glaucoma ACMG Specifications CYP1B1 V2.0. Collection method: curation. Allele origin: germline. Inheritance: Autosomal recessive inheritance.
Comment: The c.1302G>A variant in CYP1B1 is predicted to cause a change in the length of the protein due to the insertion of a terminating codon instead of the usual Tryptophan at amino acid 434 (p.Trp434Ter). The highest minor allele frequency of this variant was in the East Asian genetic ancestry group of gnomAD (v4.1) = 0.00002228 (1 allele out of 44,888), which met the ≤ 0.0005 threshold set for PM2_Supporting in a genetic ancestry group of at least 2,000 alleles. This nonsense variant was not predicted to undergo NMD but removes the haem-binding domain (PVS1 met). There was no functional evidence predicting a damaging or benign impact of this variant on CYP1B1 function. This variant has been identified in an individual with a CYP1B1-related phenotype. This individual is compound heterozygous for the variant and a pathogenic variant (phase unknown) (PMID: 16735994). Total proband points = 0.5, meeting PM3_Supporting. In summary, this variant met the criteria to receive a score of 10 and to be classified as pathogenic (pathogenic classification ≥ 10, adapted from PMID: 32720330) for CYP1B1-related glaucoma with or without anterior segment dysgenesis (ASD) based on the ACMG/AMP criteria met, as specified by the ClinGen Glaucoma VCEP (v2.0, 16.07.2026): PVS1, PM2_Supporting, PM3_Supporting.

Labcorp Genetics (formerly Invitae), Labcorp
Classification: Pathogenic for Congenital glaucoma. Last evaluated: 2017-04-25. Review status: criteria provided, single submitter. Criteria: Invitae Variant Classification Sherloc (09022015). Collection method: clinical testing. Allele origin: germline. Not counted in ClinVar's aggregate classification.
Comment: A different truncation downstream of this variant (p.Asp449Metfs*8) has been determined to be pathogenic (PMID: 9497261, 27820421, 14635112, 12036985). This suggests that deletion of this region of the CYP1B1 protein is causative of disease. This variant has been reported in an individual affected with primary congenital glaucoma (PMID: 16735994). For these reasons, this variant has been classified as Pathogenic. This sequence change results in a premature translational stop signal in the last exon of the CYP1B1 mRNA at codon 434 (p.Trp434*). While this is not anticipated to result in nonsense mediated decay, it is expected to delete the last 110 amino acids (~20%) of the CYP1B1 protein.

Literature cited by the submitters: PubMed 9497261 (cited by Labcorp Genetics (formerly Invitae), Labcorp); PubMed 27820421 (cited by Labcorp Genetics (formerly Invitae), Labcorp); PubMed 14635112 (cited by Labcorp Genetics (formerly Invitae), Labcorp); PubMed 12036985 (cited by Labcorp Genetics (formerly Invitae), Labcorp); PubMed 16735994 (cited by Labcorp Genetics (formerly Invitae), Labcorp).